The following is an entry in ClinVar:

NM_006766.5(KAT6A):c.4348C>G (p.Leu1450Val)

Gene: KAT6A (lysine acetyltransferase 6A; minus strand). Cytogenetic location: 8p11.21.
Variant type: single nucleotide variant.
Coding change: c.4348C>G on transcript NM_006766.5 (MANE Select); coding-DNA position 4348, C replaced by G.
Protein change: p.Leu1450Val; replaces leucine 1450 with valine.
Molecular consequence: missense variant.
Genome position (GRCh38, 1-based): chr8:41,933,872, G>C on the plus strand (C>G on the coding strand, the complement: KAT6A is on the minus strand). VCF-style: chr8-41933872-G-C. GRCh37 (hg19) VCF-style: chr8-41791390-G-C.
Other names: short protein forms L1450V.
Identifiers: ClinVar variation 3390689 (VCV003390689.1).

ClinVar aggregate classification (germline): Uncertain significance (1 of 4 stars; one submission).

Submission:

GeneDx
Classification: Uncertain significance. Last evaluated: 2024-06-10. Review status: criteria provided, single submitter. Criteria: GeneDx Variant Classification Process June 2021. Collection method: clinical testing. Allele origin: germline. Affected: yes.
Comment: Not observed at significant frequency in large population cohorts (gnomAD); In silico analysis indicates that this missense variant does not alter protein structure/function; Has not been previously published as pathogenic or benign to our knowledge